The following is an entry in ClinVar:

ClinVar aggregate classification (germline): Benign/Likely benign. Review status: criteria provided, multiple submitters, no conflicts (2 of 4 stars). 5 submissions from 5 submitters: Benign (1); Likely benign (4). Last evaluated 2026-08-01.

Conditions:
Chuvash polycythemia. Also called: POLYCYTHEMIA, VHL-DEPENDENT. Identifiers: Orphanet 238557, MedGen C1837915, MONDO:0009892, OMIM 263400.
Von Hippel-Lindau syndrome (VHLS). Also called: Von Hippel-Lindau; VHL syndrome; von Hippel–Lindau syndrome. Identifiers: Orphanet 892, MedGen C0019562, MONDO:0008667, OMIM 193300. Disease mechanism: loss of function.
Nonpapillary renal cell carcinoma. Identifiers: Orphanet 422526, MedGen CN074294, MONDO:0007763, OMIM 144700.
Pheochromocytoma. Also called: MAX-Related Hereditary Paraganglioma-Pheochromocytoma Syndrome. Identifiers: Orphanet 29072, MedGen C0031511, MONDO:0008233, OMIM 171300, HP:0002666.

Allele frequency attached by ClinVar (database versions not stated): 1000 Genomes Project 30x 0.00047; 1000 Genomes Project 0.00060; gnomAD 0.00064; TOPMed 0.00079; gnomAD exomes 0.00081.
gnomAD v4.1: 101 of 156,152 alleles (0.065%); highest among the groups gnomAD compares: Middle Eastern, 1.3%; no homozygotes.

Submissions (5):

CeGaT Center for Human Genetics Tuebingen
Classification: Likely benign. Last evaluated: 2026-08-01. Review status: criteria provided, single submitter. Criteria: CeGaT Center For Human Genetics Tuebingen Variant Classification Criteria Version 2. Collection method: clinical testing. Allele origin: germline. Affected: yes. Observed: 10 variant alleles.
Comment: VHL: BP4

Labcorp Genetics (formerly Invitae), Labcorp
Classification: Likely benign for Von Hippel-Lindau syndrome; Chuvash polycythemia. Last evaluated: 2026-02-04. Review status: criteria provided, single submitter. Criteria: Invitae Variant Classification Sherloc (09022015). Collection method: clinical testing. Allele origin: germline.

Center for Genomic Medicine, Rigshospitalet, Copenhagen University Hospital
Classification: Benign. Last evaluated: 2025-03-04. Review status: criteria provided, single submitter. Criteria: ACMG Guidelines, 2015. Collection method: clinical testing. Allele origin: germline.
Comment: Classification criteria: BA1

Myriad Genetics, Inc.
Classification: Likely benign for Von Hippel-Lindau syndrome. Last evaluated: 2023-04-10. Review status: criteria provided, single submitter. Criteria: Myriad Autosomal Dominant, Autosomal Recessive and X-Linked Classification Criteria (2023). Collection method: clinical testing. Allele origin: unknown.
Comment: This variant is considered likely benign. This variant has been observed at a population frequency that is significantly greater than expected given the associated disease prevalence and penetrance.

Fulgent Genetics
Classification: Likely benign for Nonpapillary renal cell carcinoma; Pheochromocytoma; Von Hippel-Lindau syndrome; Chuvash polycythemia. Last evaluated: 2022-05-12. Review status: criteria provided, single submitter. Criteria: ACMG Guidelines, 2015. Collection method: clinical testing. Allele origin: unknown.

Literature cited by the submitters: PubMed 31996412 (cited by Center for Genomic Medicine, Rigshospitalet, Copenhagen University Hospital).

NM_000551.4(VHL):c.340+578C>T

Genes: VHL (von Hippel-Lindau tumor suppressor; plus strand), LOC107303340 (3p25 von Hippel-Lindau tumor suppressor, E3 ubiquitin protein ligase Alu-mediated recombination region; plus strand). Cytogenetic location: 3p25.3.
Variant type: single nucleotide variant.
Coding change: c.340+578C>T on transcript NM_000551.4 (MANE Select); 578 bases into the intron after coding-DNA position 340, C replaced by T.
Molecular consequence: intron variant. On other transcripts: missense variant (1).
Genome position (GRCh38, 1-based): chr3:10,142,765, C>T. VCF-style: chr3-10142765-C-T. GRCh37 (hg19) VCF-style: chr3-10184449-C-T.
Other names: c.343C>T, p.Leu115Phe (NM_001354723.2); c.340+578C>T (NM_198156.3); short protein forms L115F.
Identifiers: ClinVar variation 849869 (VCV000849869.28), dbSNP rs139622356, ClinGen allele CA70046646.
Genomic context (GRCh38, chr3:10,142,765, plus strand): 5'-CCCCACGTGTATTTTCCCCTCAAAGAAAAGCTGCATCCTTAACACCCCATCTGTTCAGTC[C>T]TCATGACTCCAGTGGGCCAGTTCTGCGTAGTCCCTGCCCTCGTGGAGAACACATTCCTCC-3'